The following is an entry in ClinVar:

NM_004453.4(ETFDH):c.1169del (p.Gly390fs)

Gene: ETFDH (electron transfer flavoprotein dehydrogenase; plus strand). Cytogenetic location: 4q32.1.
Variant type: Deletion.
Coding change: c.1169del on transcript NM_004453.4 (MANE Select); coding-DNA position 1169, one base deleted (G; older notation c.1169delG).
Protein change: p.Gly390fs; shifts the reading frame from glycine 390.
Molecular consequence: frameshift variant.
Genome position (GRCh38, 1-based): chr4:158,703,475, G deleted; the last of 2 consecutive G bases (chr4:158,703,474-158,703,475); deleting either gives the same sequence. VCF-style (leftmost placement, unchanged base first): chr4-158703473-TG-T. GRCh37 (hg19) VCF-style: chr4-159624625-TG-T.
Other names: c.1028del, p.Gly343fs (NM_001281737.2); c.986del, p.Gly329fs (NM_001281738.1); short protein forms G329fs, G390fs, G343fs.
Identifiers: ClinVar variation 844449 (VCV000844449.4), dbSNP rs1774519872, ClinGen allele CA916082664.

ClinVar aggregate classification (germline): Pathogenic (1 of 4 stars; one submission).

Conditions:
Multiple acyl-CoA dehydrogenase deficiency (MADD). Also called: Glutaric aciduria, type 2; Glutaric Acidemia type 2; ETHYLMALONIC-ADIPICACIDURIA; GA II; Glutaric acidemia type II; GA 2. Identifiers: Orphanet 26791, MedGen C0268596, MONDO:0009282, OMIM 231680.

Submission:

Labcorp Genetics (formerly Invitae), Labcorp
Classification: Pathogenic for Multiple acyl-CoA dehydrogenase deficiency. Last evaluated: 2023-01-14. Review status: criteria provided, single submitter. Criteria: Invitae Variant Classification Sherloc (09022015). Collection method: clinical testing. Allele origin: germline.
Comment: For these reasons, this variant has been classified as Pathogenic. ClinVar contains an entry for this variant (Variation ID: 844449). This variant has not been reported in the literature in individuals affected with ETFDH-related conditions. This variant is not present in population databases (gnomAD no frequency). This sequence change creates a premature translational stop signal (p.Gly390Valfs*3) in the ETFDH gene. It is expected to result in an absent or disrupted protein product. Loss-of-function variants in ETFDH are known to be pathogenic (PMID: 16510302, 23785301).

Literature cited by the submitters: PubMed 16510302; PubMed 23785301.